The following is an entry in ClinVar:

ClinVar aggregate classification (germline): Uncertain significance. Review status: criteria provided, multiple submitters, no conflicts (2 of 4 stars). 2 submissions from 2 submitters: Uncertain significance (2). Last evaluated 2022-01-12.

Conditions:
LAMA2-related muscular dystrophy (LAMA2-RD). Also called: Laminin alpha 2-related dystrophy. Identifiers: MedGen C5679788, MONDO:0100228.

Allele frequency attached by ClinVar (database versions not stated): gnomAD 0.00001; TOPMed 0.00001; gnomAD exomes below 0.00001.
gnomAD v4.1: 6 of 1,607,626 alleles (0.00037%); highest among the groups gnomAD compares: Non-Finnish European, 0.00051%; no homozygotes.

Submissions (2):

Labcorp Genetics (formerly Invitae), Labcorp
Classification: Uncertain significance for LAMA2-related muscular dystrophy. Last evaluated: 2022-01-12. Review status: criteria provided, single submitter. Criteria: Invitae Variant Classification Sherloc (09022015). Collection method: clinical testing. Allele origin: germline.
Comment: This sequence change replaces isoleucine, which is neutral and non-polar, with threonine, which is neutral and polar, at codon 2449 of the LAMA2 protein (p.Ile2449Thr). This variant is present in population databases (no rsID available, gnomAD 0.007%). This variant has not been reported in the literature in individuals affected with LAMA2-related conditions. ClinVar contains an entry for this variant (Variation ID: 447692). Advanced modeling of protein sequence and biophysical properties (such as structural, functional, and spatial information, amino acid conservation, physicochemical variation, residue mobility, and thermodynamic stability) performed at Invitae indicates that this missense variant is not expected to disrupt LAMA2 protein function. In summary, the available evidence is currently insufficient to determine the role of this variant in disease. Therefore, it has been classified as a Variant of Uncertain Significance.

Athena Diagnostics
Classification: Uncertain significance. Last evaluated: 2016-10-31. Review status: criteria provided, single submitter. Criteria: Athena Diagnostics Criteria. Collection method: clinical testing. Allele origin: germline.

NM_000426.4(LAMA2):c.7346T>C (p.Ile2449Thr)

Gene: LAMA2 (laminin subunit alpha 2; plus strand). Cytogenetic location: 6q22.33.
Variant type: single nucleotide variant.
Coding change: c.7346T>C on transcript NM_000426.4 (MANE Select); coding-DNA position 7346, T replaced by C.
Protein change: p.Ile2449Thr; replaces isoleucine 2449 with threonine.
Molecular consequence: missense variant.
Genome position (GRCh38, 1-based): chr6:129,473,259, T>C. VCF-style: chr6-129473259-T-C. GRCh37 (hg19) VCF-style: chr6-129794404-T-C.
Other names: c.7346T>C, p.Ile2449Thr (NM_001079823.2); short protein forms I2449T.
Identifiers: ClinVar variation 447692 (VCV000447692.3), dbSNP rs1156828795, ClinGen allele CA365624243.